The following is an entry in ClinVar:

ClinVar aggregate classification (germline): Benign. Review status: criteria provided, multiple submitters, no conflicts (2 of 4 stars). 2 submissions from 2 submitters: Benign (2). Last evaluated 2018-01-13.

Conditions:
Leukodystrophy, hypomyelinating, 7, with or without oligodontia and/or hypogonadotropic hypogonadism (HLD7). Also called: LEUKOENCEPHALOPATHY, HYPOMYELINATING, WITH ATAXIA AND DELAYED DENTITION; ATAXIA, DELAYED DENTITION, AND HYPOMYELINATION; LEUKODYSTROPHY, HYPOMYELINATING, 7, WITH OLIGODONTIA; LEUKODYSTROPHY, HYPOMYELINATING, 7, WITH OLIGODONTIA AND HYPOGONADOTROPIC HYPOGONADISM; LEUKODYSTROPHY, HYPOMYELINATING, 7, WITHOUT OLIGODONTIA OR HYPOGONADOTROPIC HYPOGONADISM; Ataxia, Delayed Dentition and Hypomyelination (ADDH). Identifiers: Orphanet 137639, Orphanet 447893, Orphanet 447896, Orphanet 77295, Orphanet 88637, MedGen CN034185, MONDO:0011897, OMIM 607694.

Allele frequency attached by ClinVar (database versions not stated): gnomAD exomes 0.21212; gnomAD 0.24142 and 0.24580; TOPMed 0.25505; 1000 Genomes Project 30x 0.31793; 1000 Genomes Project 0.32089.
gnomAD v4.1: 37,529 of 152,190 alleles (25%); highest among the groups gnomAD compares: East Asian, 52%; 5,130 homozygotes.

Submissions (2):

Illumina Laboratory Services, Illumina
Classification: Benign for Leukodystrophy, hypomyelinating, 7, with or without oligodontia and/or hypogonadotropic hypogonadism. Last evaluated: 2018-01-13. Review status: criteria provided, single submitter. Criteria: ICSL Variant Classification Criteria 13 December 2019. Collection method: clinical testing. Allele origin: germline.
Comment: This variant was observed in the ICSL laboratory as part of a predisposition screen in an ostensibly healthy population. It had not been previously curated by ICSL or reported in the Human Gene Mutation Database (HGMD: prior to June 1st, 2018), and was therefore a candidate for classification through an automated scoring system. Utilizing variant allele frequency, disease prevalence and penetrance estimates, and inheritance mode, an automated score was calculated to assess if this variant is too frequent to cause the disease. Based on the score and internal cut-off values, a variant classified as benign is not then subjected to further curation. The score for this variant resulted in a classification of benign for this disease.

Breakthrough Genomics
Classification: Benign. Review status: criteria provided, single submitter. Criteria: ACMG Guidelines, 2015. Collection method: not provided. Allele origin: germline. Inheritance: Autosomal recessive inheritance. Affected: yes.

NM_007055.4(POLR3A):c.*1965A>G

Gene: POLR3A (RNA polymerase III subunit A; minus strand). Cytogenetic location: 10q22.3.
Variant type: single nucleotide variant.
Coding change: c.*1965A>G on transcript NM_007055.4 (MANE Select); 1965 bases downstream of the stop codon, A replaced by G.
Molecular consequence: 3 prime UTR variant.
Genome position (GRCh38, 1-based): chr10:77,975,513, T>C on the plus strand (A>G on the coding strand, the complement: POLR3A is on the minus strand). VCF-style: chr10-77975513-T-C. GRCh37 (hg19) VCF-style: chr10-79735271-T-C.
Identifiers: ClinVar variation 300986 (VCV000300986.6), dbSNP rs2241546, ClinGen allele CA10636032.